The following is an entry in ClinVar:

ClinVar aggregate classification (germline): Uncertain significance (1 of 4 stars; one submission).

Conditions:
Baller-Gerold syndrome (BGS). Also called: CRANIOSYNOSTOSIS WITH RADIAL DEFECTS. Identifiers: Orphanet 1225, MedGen C0265308, MONDO:0009039, OMIM 218600.

Submission:

Labcorp Genetics (formerly Invitae), Labcorp
Classification: Uncertain significance for Baller-Gerold syndrome. Last evaluated: 2025-06-02. Review status: criteria provided, single submitter. Criteria: Invitae Variant Classification Sherloc (09022015). Collection method: clinical testing. Allele origin: germline.
Comment: This sequence change replaces valine, which is neutral and non-polar, with leucine, which is neutral and non-polar, at codon 249 of the RECQL4 protein (p.Val249Leu). This variant is not present in population databases (gnomAD no frequency). This variant has not been reported in the literature in individuals affected with RECQL4-related conditions. ClinVar contains an entry for this variant (Variation ID: 1037997). Invitae Evidence Modeling of protein sequence and biophysical properties (such as structural, functional, and spatial information, amino acid conservation, physicochemical variation, residue mobility, and thermodynamic stability) indicates that this missense variant is not expected to disrupt RECQL4 protein function with a negative predictive value of 80%. In summary, the available evidence is currently insufficient to determine the role of this variant in disease. Therefore, it has been classified as a Variant of Uncertain Significance.

NM_004260.4(RECQL4):c.745G>C (p.Val249Leu)

Gene: RECQL4 (RecQ like helicase 4; minus strand). Cytogenetic location: 8q24.3.
Variant type: single nucleotide variant.
Coding change: c.745G>C on transcript NM_004260.4 (MANE Select); coding-DNA position 745, G replaced by C.
Protein change: p.Val249Leu; replaces valine 249 with leucine.
Molecular consequence: missense variant.
Genome position (GRCh38, 1-based): chr8:144,516,374, C>G on the plus strand (G>C on the coding strand, the complement: RECQL4 is on the minus strand). VCF-style: chr8-144516374-C-G. GRCh37 (hg19) VCF-style: chr8-145741758-C-G.
Other names: short protein forms V249L.
Identifiers: ClinVar variation 1037997 (VCV001037997.5), dbSNP rs756397882, ClinGen allele CA372689422.